The following is an entry in ClinVar:

ClinVar aggregate classification (germline): Uncertain significance. Review status: criteria provided, multiple submitters, no conflicts (2 of 4 stars). 2 submissions from 2 submitters: Uncertain significance (2). Last evaluated 2022-08-22.

Conditions:
Primary ciliary dyskinesia. Also called: Ciliary dyskinesia. Identifiers: Orphanet 244, MedGen C0008780, MONDO:0016575, HP:0012265.

Allele frequency attached by ClinVar (database versions not stated): 1000 Genomes Project 0.00020; ExAC 0.00020; gnomAD exomes 0.00021 and 0.00016; ESP Exome Variant Server 0.00035; TOPMed 0.00014; 1000 Genomes Project 30x 0.00016; gnomAD 0.00019.
gnomAD v4.1: 277 of 1,612,526 alleles (0.017%); highest among the groups gnomAD compares: Middle Eastern, 0.2%; 2 homozygotes.

Submissions (2):

Labcorp Genetics (formerly Invitae), Labcorp
Classification: Uncertain significance for Primary ciliary dyskinesia. Last evaluated: 2022-08-22. Review status: criteria provided, single submitter. Criteria: Invitae Variant Classification Sherloc (09022015). Collection method: clinical testing. Allele origin: germline.
Comment: This sequence change replaces isoleucine, which is neutral and non-polar, with valine, which is neutral and non-polar, at codon 151 of the DNAH8 protein (p.Ile151Val). This variant is present in population databases (rs371708059, gnomAD 0.05%). This variant has not been reported in the literature in individuals affected with DNAH8-related conditions. ClinVar contains an entry for this variant (Variation ID: 835057). Algorithms developed to predict the effect of missense changes on protein structure and function are either unavailable or do not agree on the potential impact of this missense change (SIFT: "Tolerated"; PolyPhen-2: "Not Available"; Align-GVGD: "Class C0"). In summary, the available evidence is currently insufficient to determine the role of this variant in disease. Therefore, it has been classified as a Variant of Uncertain Significance.

Breakthrough Genomics
Classification: Uncertain significance. Review status: criteria provided, single submitter. Criteria: ACMG Guidelines, 2015. Collection method: not provided. Allele origin: germline. Inheritance: Autosomal recessive inheritance. Affected: yes.

NM_001206927.2(DNAH8):c.451A>G (p.Ile151Val)

Genes: DNAH8 (dynein axonemal heavy chain 8; plus strand), LOC126859667 (BRD4-independent group 4 enhancer GRCh37_chr6:38690326-38691525; plus strand). Cytogenetic location: 6p21.2.
Variant type: single nucleotide variant.
Coding change: c.451A>G on transcript NM_001206927.2 (MANE Select); coding-DNA position 451, A replaced by G.
Protein change: p.Ile151Val; replaces isoleucine 151 with valine.
Molecular consequence: missense variant. On other transcripts: 5 prime UTR variant (1).
Genome position (GRCh38, 1-based): chr6:38,723,397, A>G. VCF-style: chr6-38723397-A-G. GRCh37 (hg19) VCF-style: chr6-38691173-A-G.
Other names: c.-116A>G (NM_001371.4); short protein forms I151V.
Identifiers: ClinVar variation 835057 (VCV000835057.6), dbSNP rs371708059, ClinGen allele CA3787947.